The following is an entry in ClinVar:

NM_004565.3(PEX14):c.881G>A (p.Gly294Asp)

Gene: PEX14 (peroxisomal biogenesis factor 14; plus strand). Cytogenetic location: 1p36.22.
Variant type: single nucleotide variant.
Coding change: c.881G>A on transcript NM_004565.3 (MANE Select); coding-DNA position 881, G replaced by A.
Protein change: p.Gly294Asp; replaces glycine 294 with aspartic acid.
Molecular consequence: missense variant.
Genome position (GRCh38, 1-based): chr1:10,629,734, G>A. VCF-style: chr1-10629734-G-A. GRCh37 (hg19) VCF-style: chr1-10689791-G-A.
Other names: c.881G>A (NM_004565.2); short protein forms G294D.
Identifiers: ClinVar variation 2095326 (VCV002095326.6), dbSNP rs1386505247, ClinGen allele CA338338980.
Genomic context (GRCh38, chr1:10,629,734, plus strand): 5'-CCTCGCCTGGGAAGGAGGGCCACAGCCCCGAGGGCTCCACGGTCACCTACCACTTGCTGG[G>A]CCCCCAGGAGGAAGGCGAGGGGGTGGTGGACGTCAAGGGCCAGGTGCGGATGGAGGTGCA-3'
Protein context (NP_004556.1, residues 284-304): EGSTVTYHLL[Gly294Asp]PQEEGEGVVD

ClinVar aggregate classification (germline): Uncertain significance. Review status: criteria provided, multiple submitters, no conflicts (2 of 4 stars). 3 submissions from 3 submitters: Uncertain significance (3). Last evaluated 2025-09-02.

Conditions:
PEX14-related disorder. Also called: PEX14-related condition.
Inborn genetic diseases. Identifiers: MedGen C0950123, MeSH D030342.
Peroxisome biogenesis disorder, complementation group K (CGK). Identifiers: MedGen C1866257, MONDO:0800365.

Allele frequency attached by ClinVar (database versions not stated): gnomAD exomes below 0.00001; TOPMed below 0.00001.
gnomAD v4.1: 1 of 1,597,772 alleles (0.000063%); no homozygotes.

Submissions (3):

PreventionGenetics, part of Exact Sciences
Classification: Uncertain significance for PEX14-related condition. Last evaluated: 2025-09-02. Review status: criteria provided, single submitter. Criteria: ACMG Guidelines, 2015. Collection method: clinical testing. Allele origin: germline.
Comment: The PEX14 c.881G>A variant is predicted to result in the amino acid substitution p.Gly294Asp. To our knowledge, this variant has not been reported in the literature. This variant is reported in 0.0053% of alleles in individuals of European (Finnish) descent in gnomAD. At this time, the clinical significance of this variant is uncertain due to the absence of conclusive functional and genetic evidence.

Ambry Genetics
Classification: Uncertain significance for Inborn genetic diseases. Last evaluated: 2025-08-23. Review status: criteria provided, single submitter. Criteria: Ambry Variant Classification Scheme 2023. Collection method: clinical testing. Allele origin: germline.

Labcorp Genetics (formerly Invitae), Labcorp
Classification: Uncertain significance for Peroxisome biogenesis disorder, complementation group K. Last evaluated: 2024-02-24. Review status: criteria provided, single submitter. Criteria: Invitae Variant Classification Sherloc (09022015). Collection method: clinical testing. Allele origin: germline.
Comment: This sequence change replaces glycine, which is neutral and non-polar, with aspartic acid, which is acidic and polar, at codon 294 of the PEX14 protein (p.Gly294Asp). The frequency data for this variant in the population databases is considered unreliable, as metrics indicate poor data quality at this position in the gnomAD database. This variant has not been reported in the literature in individuals affected with PEX14-related conditions. ClinVar contains an entry for this variant (Variation ID: 2095326). Advanced modeling of protein sequence and biophysical properties (such as structural, functional, and spatial information, amino acid conservation, physicochemical variation, residue mobility, and thermodynamic stability) performed at Invitae indicates that this missense variant is not expected to disrupt PEX14 protein function with a negative predictive value of 80%. In summary, the available evidence is currently insufficient to determine the role of this variant in disease. Therefore, it has been classified as a Variant of Uncertain Significance.